The following is an entry in ClinVar:

NM_016507.4(CDK12):c.2887G>A (p.Val963Ile)

Gene: CDK12 (cyclin dependent kinase 12; plus strand). Cytogenetic location: 17q12.
Variant type: single nucleotide variant.
Coding change: c.2887G>A on transcript NM_016507.4 (MANE Select); coding-DNA position 2887, G replaced by A.
Protein change: p.Val963Ile; replaces valine 963 with isoleucine.
Molecular consequence: missense variant.
Genome position (GRCh38, 1-based): chr17:39,517,480, G>A. VCF-style: chr17-39517480-G-A. GRCh37 (hg19) VCF-style: chr17-37673733-G-A.
Other names: c.2887G>A, p.Val963Ile (NM_015083.4); short protein forms V963I.
Identifiers: ClinVar variation 5034173 (VCV005034173.1).

ClinVar aggregate classification (germline): Uncertain significance (1 of 4 stars; one submission).

gnomAD v4.1: 1 of 1,613,808 alleles (0.000062%); highest among the groups gnomAD compares: Non-Finnish European, 0.000085%; no homozygotes.

Submission:

Ambry Genetics
Classification: Uncertain significance. Last evaluated: 2026-08-27. Review status: criteria provided, single submitter. Criteria: Ambry Variant Classification Scheme 2023. Collection method: clinical testing. Allele origin: germline.
Comment: The p.V963I variant (also known as c.2887G>A), located in coding exon 10 of the CDK12 gene, results from a G to A substitution at nucleotide position 2887. The valine at codon 963 is replaced by isoleucine, an amino acid with highly similar properties. This amino acid position is conserved. In addition, this alteration is predicted to be tolerated by in silico analysis. Based on the available evidence, the clinical significance of this variant remains unclear.